The following is an entry in ClinVar:

ClinVar aggregate classification (germline): Benign (0 of 4 stars; one submission).

Conditions:
BRSK2-related disorder. Also called: BRSK2-related condition; BRSK2-Related Disorders.

Allele frequency attached by ClinVar (database versions not stated): 1000 Genomes Project 0.27796; 1000 Genomes Project 30x 0.28560; ExAC 0.40806; TOPMed 0.41212; gnomAD 0.42745; ESP Exome Variant Server 0.45844; gnomAD exomes 0.46908.
gnomAD v4.1: 682,040 of 1,470,786 alleles (46%); highest among the groups gnomAD compares: Non-Finnish European, 50%; 166,451 homozygotes.

Submission:

PreventionGenetics, part of Exact Sciences
Classification: Benign for BRSK2-related condition. Last evaluated: 2019-10-18. Review status: no assertion criteria provided. Collection method: clinical testing. Allele origin: germline.
Comment: This variant is classified as benign based on ACMG/AMP sequence variant interpretation guidelines (Richards et al. 2015 PMID: 25741868, with internal and published modifications).

NM_001256627.2(BRSK2):c.91+21086T>C

Gene: BRSK2 (BR serine/threonine kinase 2; plus strand). Cytogenetic location: 11p15.5.
Variant type: single nucleotide variant.
Coding change: c.91+21086T>C on transcript NM_001256627.2 (MANE Select); 21086 bases into the intron after coding-DNA position 91, T replaced by C.
Molecular consequence: intron variant. On other transcripts: synonymous variant (1).
Genome position (GRCh38, 1-based): chr11:1,411,461, T>C. VCF-style: chr11-1411461-T-C. GRCh37 (hg19) VCF-style: chr11-1432691-T-C.
Other names: c.57T>C, p.Cys19= (NM_001256630.1); c.91+21086T>C (NM_001256629.2, NM_003957.4); c.-90+555T>C (NM_001282218.2).
Identifiers: ClinVar variation 3059255 (VCV003059255.2), dbSNP rs61868960, ClinGen allele CA5810294.